The following is an entry in ClinVar:

NM_000152.5(GAA):c.2419del (p.Leu807fs)

Gene: GAA (alpha glucosidase; plus strand). Cytogenetic location: 17q25.3.
Variant type: Deletion.
Coding change: c.2419del on transcript NM_000152.5 (MANE Select); coding-DNA position 2419, one base deleted (C; older notation c.2419delC).
Protein change: p.Leu807fs; shifts the reading frame from leucine 807.
Molecular consequence: frameshift variant.
Genome position (GRCh38, 1-based): chr17:80,117,687, C deleted. VCF-style (leftmost placement, unchanged base first): chr17-80117686-GC-G. GRCh37 (hg19) VCF-style: chr17-78091485-GC-G.
Other names: c.2419del, p.Leu807fs (NM_001079804.3, NM_001406741.1, NM_001406742.1 and 1 more transcripts); short protein forms L807fs.
Identifiers: ClinVar variation 4734826 (VCV004734826.1).

ClinVar aggregate classification (germline): Pathogenic (1 of 4 stars; one submission).

Conditions:
Glycogen storage disease, type II (IOPD). Also called: Glucosidase acid-1,4-alpha deficiency; Pompe Disease; GLYCOGENOSIS, GENERALIZED, CARDIAC FORM; GSD II; Glycogen storage disease type 2; Acid maltase deficiency disease. Identifiers: Orphanet 365, MedGen C0017921, MONDO:0009290, OMIM 232300.

Submission:

Labcorp Genetics (formerly Invitae), Labcorp
Classification: Pathogenic for Glycogen storage disease, type II. Last evaluated: 2026-01-06. Review status: criteria provided, single submitter. Criteria: Invitae Variant Classification Sherloc (09022015). Collection method: clinical testing. Allele origin: germline.
Comment: This sequence change creates a premature translational stop signal (p.Leu807Cysfs*41) in the GAA gene. It is expected to result in an absent or disrupted protein product. Loss-of-function variants in GAA are known to be pathogenic (PMID: 18425781, 22252923). This variant is not present in population databases (gnomAD no frequency). This variant has not been reported in the literature in individuals affected with GAA-related conditions. For these reasons, this variant has been classified as Pathogenic.

Literature cited by the submitters: PubMed 18425781; PubMed 22252923.